The following is an entry in ClinVar:

ClinVar aggregate classification (germline): Uncertain significance. Review status: criteria provided, multiple submitters, no conflicts (2 of 4 stars). 2 submissions from 2 submitters: Uncertain significance (2). Last evaluated 2025-03-17.

Conditions:
Beckwith-Wiedemann syndrome (BWS). Also called: Exomphalos macroglossia gigantism syndrome; EMG SYNDROME. Identifiers: Orphanet 116, MedGen C0004903, MONDO:0007534, OMIM 130650.

Allele frequency attached by ClinVar (database versions not stated): gnomAD 0.00001; TOPMed 0.00001.

Submissions (2):

Labcorp Genetics (formerly Invitae), Labcorp
Classification: Uncertain significance for Beckwith-Wiedemann syndrome. Last evaluated: 2025-03-17. Review status: criteria provided, single submitter. Criteria: Invitae Variant Classification Sherloc (09022015). Collection method: clinical testing. Allele origin: germline.
Comment: This sequence change replaces leucine, which is neutral and non-polar, with phenylalanine, which is neutral and non-polar, at codon 238 of the CDKN1C protein (p.Leu238Phe). This variant is not present in population databases (gnomAD no frequency). This variant has not been reported in the literature in individuals affected with CDKN1C-related conditions. ClinVar contains an entry for this variant (Variation ID: 236972). Invitae Evidence Modeling of protein sequence and biophysical properties (such as structural, functional, and spatial information, amino acid conservation, physicochemical variation, residue mobility, and thermodynamic stability) indicates that this missense variant is not expected to disrupt CDKN1C protein function with a negative predictive value of 80%. In summary, the available evidence is currently insufficient to determine the role of this variant in disease. Therefore, it has been classified as a Variant of Uncertain Significance.

Baylor Genetics
Classification: Uncertain significance for Beckwith-Wiedemann syndrome. Last evaluated: 2023-10-19. Review status: criteria provided, single submitter. Criteria: ACMG Guidelines, 2015. Collection method: clinical testing. Allele origin: unknown.

NM_001122630.2(CDKN1C):c.679C>T (p.Leu227Phe)

Gene: CDKN1C (cyclin dependent kinase inhibitor 1C; minus strand). Cytogenetic location: 11p15.4.
Variant type: single nucleotide variant.
Coding change: c.679C>T on transcript NM_001122630.2 (MANE Select); coding-DNA position 679, C replaced by T.
Protein change: p.Leu227Phe; replaces leucine 227 with phenylalanine.
Molecular consequence: missense variant. On other transcripts: intron variant (1).
Genome position (GRCh38, 1-based): chr11:2,884,778, G>A on the plus strand (C>T on the coding strand, the complement: CDKN1C is on the minus strand). VCF-style: chr11-2884778-G-A. GRCh37 (hg19) VCF-style: chr11-2906008-G-A.
Other names: c.712C>T, p.Leu238Phe (LRG_533t1, NM_000076.2, NM_001362474.2); c.679C>T, p.Leu227Phe (NM_001122631.2); c.255+424C>T (NM_001362475.2); short protein forms L238F, L227F.
Identifiers: ClinVar variation 236972 (VCV000236972.10), dbSNP rs878853640, ClinGen allele CA10582890.